The following is an entry in ClinVar:

NM_005121.3(MED13):c.5161C>T (p.Gln1721Ter)

Gene: MED13 (mediator complex subunit 13; minus strand). Cytogenetic location: 17q23.2.
Variant type: single nucleotide variant.
Coding change: c.5161C>T on transcript NM_005121.3 (MANE Select); coding-DNA position 5161, C replaced by T.
Protein change: p.Gln1721Ter; replaces glutamine 1721 with a stop codon.
Molecular consequence: nonsense.
Genome position (GRCh38, 1-based): chr17:61,961,683, G>A on the plus strand (C>T on the coding strand, the complement: MED13 is on the minus strand). VCF-style: chr17-61961683-G-A. GRCh37 (hg19) VCF-style: chr17-60039044-G-A.
Other names: short protein forms Q1721*.
Identifiers: ClinVar variation 620179 (VCV000620179.1), dbSNP rs1044065786, ClinGen allele CA400511299.

ClinVar aggregate classification (germline): Pathogenic (1 of 4 stars; one submission).

Submission:

GeneDx
Classification: Pathogenic. Last evaluated: 2018-10-10. Review status: criteria provided, single submitter. Criteria: GeneDx Variant Classification (06012015). Collection method: clinical testing. Allele origin: germline. Affected: yes.
Comment: The Q1721X variant in the MED13 gene has not been reported previously as a pathogenic variantnor as a benign variant, to our knowledge. This variant is predicted to cause loss of normal protein function either through protein truncation or nonsense-mediated mRNA decay. The Q1721X variant is not observed in large population cohorts (Lek et al., 2016). We interpret Q1721X as a pathogenic variant.